The following is an entry in ClinVar:

NM_138694.4(PKHD1):c.161A>G (p.Asn54Ser)

Gene: PKHD1 (PKHD1 ciliary IPT domain containing fibrocystin/polyductin; minus strand). Cytogenetic location: 6p12.2.
Variant type: single nucleotide variant.
Coding change: c.161A>G on transcript NM_138694.4 (MANE Select); coding-DNA position 161, A replaced by G.
Protein change: p.Asn54Ser; replaces asparagine 54 with serine.
Molecular consequence: missense variant.
Genome position (GRCh38, 1-based): chr6:52,082,512, T>C on the plus strand (A>G on the coding strand, the complement: PKHD1 is on the minus strand). VCF-style: chr6-52082512-T-C. GRCh37 (hg19) VCF-style: chr6-51947310-T-C.
Other names: c.161A>G, p.Asn54Ser (NM_170724.3); short protein forms N54S.
Identifiers: ClinVar variation 840831 (VCV000840831.16), dbSNP rs374566843, ClinGen allele CA3854005.
Genomic context (GRCh38, chr6:52,082,512, plus strand): 5'-CTCCGCAGTGCGGGCACCACCATGTTCACGTTCACCAGGTGTATCTCCAATTGAGAGCCA[T>C]TGTTGGGGTAAAGAACACCCAACTCCAAACCTAACACAAGGGAAAGAAATCTCAGGCTGC-3'
Protein context (NP_619639.3, residues 44-64): GLELGVLYPN[Asn54Ser]GSQLEIHLVN

ClinVar aggregate classification (germline): Uncertain significance. Review status: criteria provided, multiple submitters, no conflicts (2 of 4 stars). 5 submissions from 5 submitters: Uncertain significance (4). 1 of the submissions does not count toward it. Last evaluated 2026-02-18.

Conditions:
PKHD1-related disorder. Also called: PKHD1-related condition.
Autosomal recessive polycystic kidney disease (ARPKD). Also called: AR polycystic kidney disease. Identifiers: Orphanet 731, Orphanet 8378, MedGen C0085548, MeSH D017044, MONDO:0009889.

Allele frequency attached by ClinVar (database versions not stated): gnomAD exomes 0.00004 and 0.00008; gnomAD 0.00005; TOPMed 0.00005; ExAC 0.00006; ESP Exome Variant Server 0.00015.
gnomAD v4.1: 121 of 1,614,022 alleles (0.0075%); highest among the groups gnomAD compares: Non-Finnish European, 0.01%; no homozygotes.

Submissions (5):

PreventionGenetics, part of Exact Sciences
Classification: Uncertain significance for PKHD1-related condition. Last evaluated: 2026-02-18. Review status: criteria provided, single submitter. Criteria: ACMG Guidelines, 2015. Collection method: clinical testing. Allele origin: germline.
Comment: The PKHD1 c.161A>G variant is predicted to result in the amino acid substitution p.Asn54Ser. To our knowledge, this variant has not been reported in the literature. This variant is reported in 0.012% of alleles in individuals of African descent in gnomAD. At this time, the clinical significance of this variant is uncertain due to the absence of conclusive functional and genetic evidence.

Labcorp Genetics (formerly Invitae), Labcorp
Classification: Uncertain significance for Autosomal recessive polycystic kidney disease. Last evaluated: 2022-07-11. Review status: criteria provided, single submitter. Criteria: Invitae Variant Classification Sherloc (09022015). Collection method: clinical testing. Allele origin: germline.
Comment: This sequence change replaces asparagine, which is neutral and polar, with serine, which is neutral and polar, at codon 54 of the PKHD1 protein (p.Asn54Ser). This variant is present in population databases (rs374566843, gnomAD 0.01%). This variant has not been reported in the literature in individuals affected with PKHD1-related conditions. ClinVar contains an entry for this variant (Variation ID: 840831). Advanced modeling of protein sequence and biophysical properties (such as structural, functional, and spatial information, amino acid conservation, physicochemical variation, residue mobility, and thermodynamic stability) performed at Invitae indicates that this missense variant is not expected to disrupt PKHD1 protein function. Algorithms developed to predict the effect of sequence changes on RNA splicing suggest that this variant may create or strengthen a splice site. In summary, the available evidence is currently insufficient to determine the role of this variant in disease. Therefore, it has been classified as a Variant of Uncertain Significance.

GeneDx
Classification: Uncertain significance. Last evaluated: 2021-07-13. Review status: criteria provided, single submitter. Criteria: GeneDx Variant Classification Process June 2021. Collection method: clinical testing. Allele origin: germline. Affected: yes.
Comment: In silico analysis supports that this missense variant does not alter protein structure/function; Has not been previously published as pathogenic or benign to our knowledge

Illumina Laboratory Services, Illumina
Classification: Uncertain significance for Polycystic kidney disease 4. Last evaluated: 2017-04-27. Review status: criteria provided, single submitter. Criteria: ICSL Variant Classification Criteria 13 December 2019. Collection method: clinical testing. Allele origin: germline.

Natera, Inc.
Classification: Uncertain significance for Autosomal recessive polycystic kidney disease. Last evaluated: 2018-11-23. Review status: no assertion criteria provided. Collection method: clinical testing. Allele origin: germline. Not counted in ClinVar's aggregate classification.